The following is an entry in ClinVar:

NM_001369369.1(FOXN1):c.950A>C (p.Asn317Thr)

Gene: FOXN1 (forkhead box N1; plus strand). Cytogenetic location: 17q11.2.
Variant type: single nucleotide variant.
Coding change: c.950A>C on transcript NM_001369369.1 (MANE Select); coding-DNA position 950, A replaced by C.
Protein change: p.Asn317Thr; replaces asparagine 317 with threonine.
Molecular consequence: missense variant.
Genome position (GRCh38, 1-based): chr17:28,534,353, A>C. VCF-style: chr17-28534353-A-C. GRCh37 (hg19) VCF-style: chr17-26861371-A-C.
Other names: c.950A>C, p.Asn317Thr (NM_003593.3); short protein forms N317T.
Identifiers: ClinVar variation 653148 (VCV000653148.6), dbSNP rs1597566383, ClinGen allele CA398324466.
Genomic context (GRCh38, chr17:28,534,353, plus strand): 5'-AGCCTGGCCTGAATGCTTGTCTTGCTCTGTTCCGGCAGACAGCACCCGATGGCTGGAAGA[A>C]TTCTGTCCGGCACAACCTATCCCTCAACAAGTGCTTCGAGAAGGTGGAGAACAAATCAGG-3'
Protein context (NP_001356298.1, residues 307-327): YFKTAPDGWK[Asn317Thr]SVRHNLSLNK

ClinVar aggregate classification (germline): Uncertain significance (1 of 4 stars; one submission).

Conditions:
T-cell immunodeficiency, congenital alopecia, and nail dystrophy. Also called: Congenital alopecia and nail dystrophy associated with severe functional T-cell immunodeficiency; Pignata Guarino syndrome. Identifiers: Orphanet 169095, MedGen C1866426, MONDO:0011132, OMIM 601705.

Submission:

Labcorp Genetics (formerly Invitae), Labcorp
Classification: Uncertain significance for T-cell immunodeficiency, congenital alopecia, and nail dystrophy. Last evaluated: 2021-11-15. Review status: criteria provided, single submitter. Criteria: Invitae Variant Classification Sherloc (09022015). Collection method: clinical testing. Allele origin: germline.
Comment: ClinVar contains an entry for this variant (Variation ID: 653148). This variant has not been reported in the literature in individuals affected with FOXN1-related conditions. This variant is not present in population databases (gnomAD no frequency). This sequence change replaces asparagine, which is neutral and polar, with threonine, which is neutral and polar, at codon 317 of the FOXN1 protein (p.Asn317Thr). In summary, the available evidence is currently insufficient to determine the role of this variant in disease. Therefore, it has been classified as a Variant of Uncertain Significance. Algorithms developed to predict the effect of missense changes on protein structure and function (SIFT, PolyPhen-2, Align-GVGD) all suggest that this variant is likely to be disruptive.